The following is an entry in ClinVar:

ClinVar aggregate classification (germline): Uncertain significance (1 of 4 stars; one submission).

Conditions:
Birt-Hogg-Dube syndrome. Also called: Birt Hogg Dubé syndrome. Identifiers: Orphanet 122, MedGen C0346010, MONDO:0800444.

Submission:

Labcorp Genetics (formerly Invitae), Labcorp
Classification: Uncertain significance for Birt-Hogg-Dube syndrome. Last evaluated: 2023-01-28. Review status: criteria provided, single submitter. Criteria: Invitae Variant Classification Sherloc (09022015). Collection method: clinical testing. Allele origin: germline.
Comment: This sequence change replaces alanine, which is neutral and non-polar, with glycine, which is neutral and non-polar, at codon 488 of the FLCN protein (p.Ala488Gly). This variant is not present in population databases (gnomAD no frequency). This variant has not been reported in the literature in individuals affected with FLCN-related conditions. Advanced modeling of protein sequence and biophysical properties (such as structural, functional, and spatial information, amino acid conservation, physicochemical variation, residue mobility, and thermodynamic stability) performed at Invitae indicates that this missense variant is not expected to disrupt FLCN protein function. In summary, the available evidence is currently insufficient to determine the role of this variant in disease. Therefore, it has been classified as a Variant of Uncertain Significance.

NM_144997.7(FLCN):c.1463C>G (p.Ala488Gly)

Gene: FLCN (folliculin; minus strand). Cytogenetic location: 17p11.2.
Variant type: single nucleotide variant.
Coding change: c.1463C>G on transcript NM_144997.7 (MANE Select); coding-DNA position 1463, C replaced by G.
Protein change: p.Ala488Gly; replaces alanine 488 with glycine.
Molecular consequence: missense variant.
Genome position (GRCh38, 1-based): chr17:17,215,060, G>C on the plus strand (C>G on the coding strand, the complement: FLCN is on the minus strand). VCF-style: chr17-17215060-G-C. GRCh37 (hg19) VCF-style: chr17-17118374-G-C.
Other names: c.1517C>G, p.Ala506Gly (NM_001353229.2); c.1463C>G, p.Ala488Gly (NM_001353230.2, NM_001353231.2); short protein forms A488G, A506G.
Identifiers: ClinVar variation 2832392 (VCV002832392.3), dbSNP rs200660337, ClinGen allele CA398530956.